The following continues an entry in ClinVar:

NM_024675.4(PALB2):c.298C>T (p.Leu100Phe)

Gene: PALB2. ClinVar aggregate classification (germline): Conflicting classifications of pathogenicity. Uncertain significance (5); Likely benign (8).

Submission 18 of 18:

Department of Pathology and Laboratory Medicine, Sinai Health System
Classification: Uncertain significance for Pancreatic cancer, susceptibility to, 3. Review status: no assertion criteria provided. Collection method: clinical testing. Allele origin: unknown. Affected: yes. Study: The Canadian Open Genetics Repository (COGR). Not counted in ClinVar's aggregate classification.
Comment: The PALB2 p.Leu100Phe variant was identified in 5 of 11930 proband chromosomes (frequency: 0.0004) from American, Canadian and Australian individuals or families with BRCA1/2 negative breast cancer, familial breast or breast/ovarian cancer, or ovarian cancer and was present in 4 of 10858 control chromosomes (frequency: 0.0003) from healthy individuals (Ramus_2015_26315354, Thompson_2015_26283626, Tung_2016_26976419, Wong_2011_21409391, Hartley_2014_25225577). The variant was identified in the following databases: dbSNP (ID: rs61756147) â€šÃ„ÃºWith Uncertain significance alleleâ€šÃ„Ã¹, ClinVar (classified uncertain significance by GeneDx, Invitae, Ambry Genetics, Cancer Genetics Laboratory (Peter MacCallum Cancer Center) and the PALB2 database), Clinvitae (3x), LOVD 3.0 (1x), Zhejiang Colon Cancer Database (1x), and in control databases in 46 of 277092 chromosomes at a frequency of 0.0002 (Genome Aggregation Database Feb 27, 2017). Observation by population include â€šÃ„ÃºOtherâ€šÃ„Ã¹ in 1 of 6464 chromosomes (freq: 0.0002), Latino in 1 of 34398 chromosomes (freq: 0.00003), European Non-Finnish in 42 of 126642 chromosomes (freq: 0.0003), and European Finnish in 2 of 25786 chromosomes (freq: 0.00008); it was not observed in the African, Ashkenazi Jewish, East Asian, and South Asian populations. The variant was not identified in Cosmic or MutDB. The p.Leu100 residue is not conserved in mammals and computational analyses (PolyPhen-2, SIFT, AlignGVGD, BLOSUM, MutationTaster) do not suggest a high likelihood of the variant Phe impacts the protein; however, this information is not predictive enough to rule out pathogenicity. The variant occurs outside of the splicing consensus sequence and in silico or computational prediction software programs (SpliceSiteFinder, MaxEntScan, NNSPLICE, GeneSplicer, HumanSpliceFinder) do not predict a difference in splicing. In summary, based on the above information the clinical significance of this variant cannot be determined with certainty at this time. This variant is classified as a variant of uncertain significance.

Literature cited by the submitters: PubMed 35263119 (cited by Quest Diagnostics Nichols Institute San Juan Capistrano and Women's Health and Genetics/Laboratory Corporation of America, LabCorp); PubMed 24448499 (cited by 3 submitters); PubMed 25479140 (cited by 4 submitters); PubMed 25186627 (cited by 5 submitters); PubMed 21409391 (cited by 5 submitters); PubMed 26283626 (cited by 4 submitters); PubMed 25225577 (cited by 4 submitters); PubMed 26315354 (cited by 4 submitters); PubMed 26976419 (cited by Quest Diagnostics Nichols Institute San Juan Capistrano and Ambry Genetics); PubMed 23555315 (cited by 3 submitters); PubMed 28767289 (cited by 4 submitters); PubMed 28873162 (cited by Quest Diagnostics Nichols Institute San Juan Capistrano); PubMed 33471991 (cited by Quest Diagnostics Nichols Institute San Juan Capistrano and Sema4); PubMed 34326862 (cited by Quest Diagnostics Nichols Institute San Juan Capistrano); PubMed 37937776 (cited by Quest Diagnostics Nichols Institute San Juan Capistrano); PubMed 26689913 (cited by Women's Health and Genetics/Laboratory Corporation of America, LabCorp); PubMed 30541756 (cited by Women's Health and Genetics/Laboratory Corporation of America, LabCorp); PubMed 25085752 (cited by Myriad Genetics, Inc.); PubMed 28779002 (cited by Ambry Genetics); PubMed 32546565 (cited by Ambry Genetics); PubMed 32885271 (cited by Ambry Genetics).